The following is an entry in ClinVar:

NM_000153.4(GALC):c.1335A>G (p.Leu445=)

Gene: GALC (galactosylceramidase; minus strand). Cytogenetic location: 14q31.3.
Variant type: single nucleotide variant.
Coding change: c.1335A>G on transcript NM_000153.4 (MANE Select); coding-DNA position 1335, A replaced by G.
Protein change: p.Leu445=; no amino-acid change (leucine 445 retained).
Molecular consequence: synonymous variant.
Genome position (GRCh38, 1-based): chr14:87,949,848, T>C on the plus strand (A>G on the coding strand, the complement: GALC is on the minus strand). VCF-style: chr14-87949848-T-C. GRCh37 (hg19) VCF-style: chr14-88416192-T-C.
Other names: c.1266A>G, p.Leu422= (NM_001201401.2); c.1257A>G, p.Leu419= (NM_001201402.2).
Identifiers: ClinVar variation 1114872 (VCV001114872.8), dbSNP rs373277798, ClinGen allele CA7297054.

ClinVar aggregate classification (germline): Likely benign. Review status: criteria provided, multiple submitters, no conflicts (2 of 4 stars). 3 submissions from 3 submitters: Likely benign (3). Last evaluated 2025-05-14.

Conditions:
Galactosylceramide beta-galactosidase deficiency. Also called: GALACTOCEREBROSIDASE DEFICIENCY; GALC DEFICIENCY; GLOBOID CELL LEUKOENCEPHALOPATHY; Leukodystrophy, Globoid Cell; Krabbe Disease. Identifiers: Orphanet 487, MedGen C0023521, MONDO:0009499, OMIM 245200.

Allele frequency attached by ClinVar (database versions not stated): TOPMed 0.00001; gnomAD exomes 0.00010 and 0.00020; gnomAD 0.00014 and 0.00015; ESP Exome Variant Server 0.00017; ExAC 0.00021.
gnomAD v4.1: 157 of 1,535,472 alleles (0.01%); highest among the groups gnomAD compares: Non-Finnish European, 0.0032%; 1 homozygote.

Submissions (3):

Labcorp Genetics (formerly Invitae), Labcorp
Classification: Likely benign for Galactosylceramide beta-galactosidase deficiency. Last evaluated: 2025-05-14. Review status: criteria provided, single submitter. Criteria: Invitae Variant Classification Sherloc (09022015). Collection method: clinical testing. Allele origin: germline.

Blueprint Genetics
Classification: Likely benign. Last evaluated: 2023-10-13. Review status: criteria provided, single submitter. Criteria: ACMG Guidelines, 2015. Collection method: clinical testing. Allele origin: germline.

Women's Health and Genetics/Laboratory Corporation of America, LabCorp
Classification: Likely benign. Last evaluated: 2022-06-07. Review status: criteria provided, single submitter. Criteria: LabCorp Variant Classification Summary - May 2015. Collection method: clinical testing. Allele origin: germline.
Comment: Variant summary: GALC c.1335A>G alters a non-conserved nucleotide resulting in a synonymous change. 4/4 computational tools predict no significant impact on normal splicing, however, these predictions have yet to be confirmed by functional studies. The variant allele was found at a frequency of 0.0002 in 248444 control chromosomes (gnomAD). This frequency is not significantly higher than expected for a pathogenic variant in GALC causing Krabbe Disease (0.0002 vs 0.0022), allowing no conclusion about variant significance. To our knowledge, no occurrence of c.1335A>G in individuals affected with Krabbe Disease and no experimental evidence demonstrating its impact on protein function have been reported. One ClinVar submitter has assessed the variant since 2014: the variant was classified as likely benign. Based on the evidence outlined above, the variant was classified as likely benign.